The following is an entry in ClinVar:

ClinVar aggregate classification (germline): Uncertain significance (1 of 4 stars; one submission).

Allele frequency attached by ClinVar (database versions not stated): gnomAD exomes below 0.00001; TOPMed 0.00001; gnomAD 0.00003.
gnomAD v4.1: 7 of 1,610,338 alleles (0.00043%); highest among the groups gnomAD compares: Admixed American, 0.005%; no homozygotes.

Submission:

Labcorp Genetics (formerly Invitae), Labcorp
Classification: Uncertain significance. Last evaluated: 2022-05-17. Review status: criteria provided, single submitter. Criteria: Invitae Variant Classification Sherloc (09022015). Collection method: clinical testing. Allele origin: germline.
Comment: This sequence change falls in intron 2 of the SAMD11 gene. It does not directly change the encoded amino acid sequence of the SAMD11 protein. It affects a nucleotide within the consensus splice site. In summary, the available evidence is currently insufficient to determine the role of this variant in disease. Therefore, it has been classified as a Variant of Uncertain Significance. Variants that disrupt the consensus splice site are a relatively common cause of aberrant splicing (PMID: 17576681, 9536098). Algorithms developed to predict the effect of sequence changes on RNA splicing suggest that this variant may disrupt the consensus splice site. This variant has not been reported in the literature in individuals affected with SAMD11-related conditions. This variant is present in population databases (no rsID available, gnomAD 0.007%).

Literature cited by the submitters: PubMed 17576681; PubMed 9536098.

NM_001385641.1(SAMD11):c.609+5G>A

Gene: SAMD11 (sterile alpha motif domain containing 11; plus strand). Cytogenetic location: 1p36.33.
Variant type: single nucleotide variant.
Coding change: c.609+5G>A on transcript NM_001385641.1 (MANE Select); 5 bases into the intron after coding-DNA position 609, G replaced by A.
Molecular consequence: intron variant.
Genome position (GRCh38, 1-based): chr1:926,018, G>A. VCF-style: chr1-926018-G-A. GRCh37 (hg19) VCF-style: chr1-861398-G-A.
Other names: c.609+5G>A (NM_001385640.1); c.72+5G>A (NM_152486.4).
Identifiers: ClinVar variation 1979359 (VCV001979359.4), dbSNP rs1374430336, ClinGen allele CA415378589.
Genomic context (GRCh38, chr1:926,018, plus strand): 5'-TGCAGGTGCATCCTCCGATCTGCGACTGCCCGGGCTGCCGAATATCCTCCCCGGTGGTGA[G>A]ATGCGGGGCTCGGTTGGGGCTGGGAGTTACTCTCCCCTGCGGAGCTTGTCCCTGCGGTTT-3'